The following is an entry in ClinVar:

NM_017534.6(MYH2):c.523A>G (p.Ile175Val)

Genes: MYH2 (myosin heavy chain 2; minus strand), MYHAS (myosin heavy chain gene cluster antisense RNA; plus strand), LOC126862501 (CDK7 strongly-dependent group 2 enhancer GRCh37_chr17:10446256-10447455; plus strand). Cytogenetic location: 17p13.1.
Variant type: single nucleotide variant.
Coding change: c.523A>G on transcript NM_017534.6 (MANE Select); coding-DNA position 523, A replaced by G.
Protein change: p.Ile175Val; replaces isoleucine 175 with valine.
Molecular consequence: missense variant.
Genome position (GRCh38, 1-based): chr17:10,544,110, T>C on the plus strand (A>G on the coding strand, the complement: MYH2 is on the minus strand). VCF-style: chr17-10544110-T-C. GRCh37 (hg19) VCF-style: chr17-10447427-T-C.
Other names: c.523A>G, p.Ile175Val (NM_001100112.2); short protein forms I175V.
Identifiers: ClinVar variation 3687790 (VCV003687790.2).

ClinVar aggregate classification (germline): Uncertain significance (1 of 4 stars; one submission).

Conditions:
Myopathy, proximal, and ophthalmoplegia (CMYO6). Also called: MYOPATHY WITH CONGENITAL JOINT CONTRACTURES, OPHTHALMOPLEGIA, AND RIMMED VACUOLES; INCLUSION BODY MYOPATHY 3, AUTOSOMAL DOMINANT; CONGENITAL MYOPATHY 6 WITH OPHTHALMOPLEGIA. Identifiers: Orphanet 363677, Orphanet 79091, MedGen C1854106, MONDO:0011577, OMIM 605637.

gnomAD v4.1: 2 of 1,614,126 alleles (0.00012%); highest among the groups gnomAD compares: East Asian, 0.0022%; no homozygotes.

Submission:

Labcorp Genetics (formerly Invitae), Labcorp
Classification: Uncertain significance for Myopathy, proximal, and ophthalmoplegia. Last evaluated: 2024-05-18. Review status: criteria provided, single submitter. Criteria: Invitae Variant Classification Sherloc (09022015). Collection method: clinical testing. Allele origin: germline.
Comment: This sequence change replaces isoleucine, which is neutral and non-polar, with valine, which is neutral and non-polar, at codon 175 of the MYH2 protein (p.Ile175Val). This variant is not present in population databases (gnomAD no frequency). This variant has not been reported in the literature in individuals affected with MYH2-related conditions. Advanced modeling of protein sequence and biophysical properties (such as structural, functional, and spatial information, amino acid conservation, physicochemical variation, residue mobility, and thermodynamic stability) performed at Invitae indicates that this missense variant is not expected to disrupt MYH2 protein function with a negative predictive value of 80%. In summary, the available evidence is currently insufficient to determine the role of this variant in disease. Therefore, it has been classified as a Variant of Uncertain Significance.